The following is an entry in ClinVar:

NM_001376.5(DYNC1H1):c.959C>G (p.Thr320Arg)

Gene: DYNC1H1 (dynein cytoplasmic 1 heavy chain 1; plus strand). Cytogenetic location: 14q32.31.
Variant type: single nucleotide variant.
Coding change: c.959C>G on transcript NM_001376.5 (MANE Select); coding-DNA position 959, C replaced by G.
Protein change: p.Thr320Arg; replaces threonine 320 with arginine.
Molecular consequence: missense variant.
Genome position (GRCh38, 1-based): chr14:101,980,548, C>G. VCF-style: chr14-101980548-C-G. GRCh37 (hg19) VCF-style: chr14-102446885-C-G.
Other names: short protein forms T320R.
Identifiers: ClinVar variation 2108008 (VCV002108008.4), dbSNP rs2503680848, ClinGen allele CA391010577.

ClinVar aggregate classification (germline): Uncertain significance (1 of 4 stars; one submission).

Conditions:
Charcot-Marie-Tooth disease axonal type 2O. Also called: CHARCOT-MARIE-TOOTH NEUROPATHY, AXONAL, TYPE 2O; CHARCOT-MARIE-TOOTH DISEASE, AXONAL, AUTOSOMAL DOMINANT, TYPE 2O; Charcot-Marie-Tooth disease, axonal, type 20; Charcot-Marie-Tooth Neuropathy Type 2O. Identifiers: Orphanet 284232, MedGen C3280220, MONDO:0013644, OMIM 614228.

Submission:

Labcorp Genetics (formerly Invitae), Labcorp
Classification: Uncertain significance for Charcot-Marie-Tooth disease axonal type 2O. Last evaluated: 2022-07-18. Review status: criteria provided, single submitter. Criteria: Invitae Variant Classification Sherloc (09022015). Collection method: clinical testing. Allele origin: germline.
Comment: Algorithms developed to predict the effect of sequence changes on RNA splicing suggest that this variant may create or strengthen a splice site. In summary, the available evidence is currently insufficient to determine the role of this variant in disease. Therefore, it has been classified as a Variant of Uncertain Significance. Algorithms developed to predict the effect of missense changes on protein structure and function are either unavailable or do not agree on the potential impact of this missense change (SIFT: "Deleterious"; PolyPhen-2: "Probably Damaging"; Align-GVGD: "Class C0"). This variant has not been reported in the literature in individuals affected with DYNC1H1-related conditions. This variant is not present in population databases (gnomAD no frequency). This sequence change replaces threonine, which is neutral and polar, with arginine, which is basic and polar, at codon 320 of the DYNC1H1 protein (p.Thr320Arg).